The following is an entry in ClinVar:

ClinVar aggregate classification (germline): Likely benign (0 of 4 stars; one submission).

Conditions:
APC-related disorder. Also called: APC-related condition.

Submission:

PreventionGenetics, part of Exact Sciences
Classification: Likely benign for APC-related condition. Last evaluated: 2019-08-01. Review status: no assertion criteria provided. Collection method: clinical testing. Allele origin: germline.
Comment: This variant is classified as likely benign based on ACMG/AMP sequence variant interpretation guidelines (Richards et al. 2015 PMID: 25741868, with internal and published modifications).

NM_001127511.3(APC):c.166-28727_166-28726del

Gene: APC (APC regulator of Wnt signaling pathway; plus strand). Cytogenetic location: 5q22.2.
Variant type: Deletion.
Coding change: c.166-28727_166-28726del on transcript NM_001127511.3; 28727 bases into the intron before coding-DNA position 166 through 28726 bases into the intron before coding-DNA position 166, 2 bases deleted (TT; older notation c.166-28727_166-28726delTT).
Molecular consequence: intron variant.
Genome position (GRCh38, 1-based): chr5:112,737,599-112,737,600, TT deleted; deleting any 2 consecutive bases within chr5:112,737,598-112,737,600 gives the same sequence; the c. name uses the placement nearest the transcript's 3' end. VCF-style (leftmost placement, unchanged base first): chr5-112737597-CTT-C. GRCh37 (hg19) VCF-style: chr5-112073294-CTT-C.
Other names: c.-1053-17274_-1053-17273del (NM_001407470.1, NM_001407472.1); c.-18-17274_-18-17273del (NM_001407447.1, NM_001354895.2, NM_001407456.1 and 7 more transcripts); c.166-28727_166-28726del (NM_001407446.1, NM_001354897.2, NM_001354902.2); c.-42-28727_-42-28726del (NM_001407453.1).
Identifiers: ClinVar variation 3034520 (VCV003034520.2), dbSNP rs1303789669, ClinGen allele CA561895696.